The following is an entry in ClinVar:

NM_005422.4(TECTA):c.3043G>A (p.Glu1015Lys)

Genes: TBCEL-TECTA (TBCEL-TECTA readthrough; plus strand), TECTA (tectorin alpha; plus strand). Cytogenetic location: 11q23.3.
Variant type: single nucleotide variant.
Coding change: c.3043G>A on transcript NM_005422.4 (MANE Select); coding-DNA position 3043, G replaced by A.
Protein change: p.Glu1015Lys; replaces glutamic acid 1015 with lysine.
Molecular consequence: missense variant.
Genome position (GRCh38, 1-based): chr11:121,137,522, G>A. VCF-style: chr11-121137522-G-A. GRCh37 (hg19) VCF-style: chr11-121008231-G-A.
Other names: c.4000G>A, p.Glu1334Lys (NM_001378761.1); short protein forms E1015K, E1334K.
Identifiers: ClinVar variation 3252209 (VCV003252209.2), dbSNP rs536343896.

ClinVar aggregate classification (germline): Uncertain significance (1 of 4 stars; one submission).

gnomAD v4.1: 20 of 1,613,942 alleles (0.0012%); highest among the groups gnomAD compares: East Asian, 0.027%; no homozygotes.

Submission:

GeneDx
Classification: Uncertain significance. Last evaluated: 2025-03-27. Review status: criteria provided, single submitter. Criteria: GeneDx Variant Classification Process June 2021. Collection method: clinical testing. Allele origin: germline.
Comment: Identified with a second variant on the same allele (in cis) in a patient with apparently autosomal dominant mid-frequency sensorineural hearing loss in published literature (PMID: 31554319); Identified in an individual with sensorineural hearing loss in published literature, however, additional details are not available (PMID: 27610647); In silico analysis supports that this missense variant has a deleterious effect on protein structure/function; This variant is associated with the following publications: (PMID: 34426522, 21520338, 31554319, 9590290, 27610647)